The following is an entry in ClinVar:

NM_014915.3(ANKRD26):c.533A>T (p.Asp178Val)

Gene: ANKRD26 (ankyrin repeat domain containing 26; minus strand). Cytogenetic location: 10p12.1.
Variant type: single nucleotide variant.
Coding change: c.533A>T on transcript NM_014915.3 (MANE Select); coding-DNA position 533, A replaced by T.
Protein change: p.Asp178Val; replaces aspartic acid 178 with valine.
Molecular consequence: missense variant.
Genome position (GRCh38, 1-based): chr10:27,092,511, T>A on the plus strand (A>T on the coding strand, the complement: ANKRD26 is on the minus strand). VCF-style: chr10-27092511-T-A. GRCh37 (hg19) VCF-style: chr10-27381440-T-A.
Other names: c.533A>T, p.Asp178Val (NM_001256053.2); short protein forms D178V.
Identifiers: ClinVar variation 3870970 (VCV003870970.1).

ClinVar aggregate classification (germline): Uncertain significance (1 of 4 stars; one submission).

Conditions:
Inborn genetic diseases. Identifiers: MedGen C0950123, MeSH D030342.

Submission:

Ambry Genetics
Classification: Uncertain significance for Inborn genetic diseases. Last evaluated: 2025-02-05. Review status: criteria provided, single submitter. Criteria: Ambry Variant Classification Scheme 2023. Collection method: clinical testing. Allele origin: germline.
Comment: The p.D178V variant (also known as c.533A>T), located in coding exon 4 of the ANKRD26 gene, results from an A to T substitution at nucleotide position 533. The aspartic acid at codon 178 is replaced by valine, an amino acid with highly dissimilar properties. This amino acid position is conserved. In addition, this alteration is predicted to be tolerated by in silico analysis. Based on the available evidence, the clinical significance of this variant remains unclear.